The following is an entry in ClinVar:

NM_005445.4(SMC3):c.1229A>G (p.Lys410Arg)

Gene: SMC3 (structural maintenance of chromosomes 3; plus strand). Cytogenetic location: 10q25.2.
Variant type: single nucleotide variant.
Coding change: c.1229A>G on transcript NM_005445.4 (MANE Select); coding-DNA position 1229, A replaced by G.
Protein change: p.Lys410Arg; replaces lysine 410 with arginine.
Molecular consequence: missense variant.
Genome position (GRCh38, 1-based): chr10:110,584,320, A>G. VCF-style: chr10-110584320-A-G. GRCh37 (hg19) VCF-style: chr10-112344078-A-G.
Other names: short protein forms K410R.
Identifiers: ClinVar variation 2079192 (VCV002079192.4), dbSNP rs2493117713, ClinGen allele CA378384035.

ClinVar aggregate classification (germline): Uncertain significance (1 of 4 stars; one submission).

Conditions:
Cornelia de Lange syndrome 3 (CDLS3). Also called: SMC3-Related Cornelia de Lange Syndrome; CORNELIA DE LANGE SYNDROME 3 WITH OR WITHOUT MIDLINE BRAIN DEFECTS. Identifiers: Orphanet 199, MedGen C1853099, MONDO:0012555, OMIM 610759.

Submission:

Labcorp Genetics (formerly Invitae), Labcorp
Classification: Uncertain significance for Cornelia de Lange syndrome 3. Last evaluated: 2022-01-11. Review status: criteria provided, single submitter. Criteria: Invitae Variant Classification Sherloc (09022015). Collection method: clinical testing. Allele origin: germline.
Comment: This sequence change replaces lysine, which is basic and polar, with arginine, which is basic and polar, at codon 410 of the SMC3 protein (p.Lys410Arg). This variant is not present in population databases (gnomAD no frequency). This variant has not been reported in the literature in individuals affected with SMC3-related conditions. Algorithms developed to predict the effect of missense changes on protein structure and function (SIFT, PolyPhen-2, Align-GVGD) all suggest that this variant is likely to be tolerated. In summary, the available evidence is currently insufficient to determine the role of this variant in disease. Therefore, it has been classified as a Variant of Uncertain Significance.